The following is an entry in ClinVar:

NM_152703.5(SAMD9L):c.4224A>T (p.Lys1408Asn)

Gene: SAMD9L (sterile alpha motif domain containing 9 like; minus strand). Cytogenetic location: 7q21.2.
Variant type: single nucleotide variant.
Coding change: c.4224A>T on transcript NM_152703.5 (MANE Select); coding-DNA position 4224, A replaced by T.
Protein change: p.Lys1408Asn; replaces lysine 1408 with asparagine.
Molecular consequence: missense variant.
Genome position (GRCh38, 1-based): chr7:93,131,748, T>A on the plus strand (A>T on the coding strand, the complement: SAMD9L is on the minus strand). VCF-style: chr7-93131748-T-A. GRCh37 (hg19) VCF-style: chr7-92761061-T-A.
Other names: c.4224A>T, p.Lys1408Asn (NM_001303496.3, NM_001303497.3, NM_001303498.3 and 5 more transcripts); short protein forms K1408N.
Identifiers: ClinVar variation 3949856 (VCV003949856.1).

ClinVar aggregate classification (germline): Uncertain significance (1 of 4 stars; one submission).

Conditions:
Inborn genetic diseases. Identifiers: MedGen C0950123, MeSH D030342.

Submission:

Ambry Genetics
Classification: Uncertain significance for Inborn genetic diseases. Last evaluated: 2025-04-18. Review status: criteria provided, single submitter. Criteria: Ambry Variant Classification Scheme 2023. Collection method: clinical testing. Allele origin: germline.
Comment: The p.K1408N variant (also known as c.4224A>T), located in coding exon 1 of the SAMD9L gene, results from an A to T substitution at nucleotide position 4224. The lysine at codon 1408 is replaced by asparagine, an amino acid with similar properties. This amino acid position is conserved. In addition, this alteration is predicted to be tolerated by in silico analysis. Based on the available evidence, the clinical significance of this variant remains unclear.